The following is an entry in ClinVar:

ClinVar aggregate classification (germline): Likely benign (1 of 4 stars; one submission).

gnomAD v4.1: 88 of 1,577,780 alleles (0.0056%); highest among the groups gnomAD compares: Middle Eastern, 0.017%; no homozygotes.

Submission:

CeGaT Center for Human Genetics Tuebingen
Classification: Likely benign. Last evaluated: 2026-06-01. Review status: criteria provided, single submitter. Criteria: CeGaT Center For Human Genetics Tuebingen Variant Classification Criteria Version 2. Collection method: clinical testing. Allele origin: germline. Affected: yes. Observed: 1 variant allele.
Comment: MPG: BP4, BP7

NM_001015052.3(MPG):c.777C>T (p.Val259=)

Genes: MPG (N-methylpurine DNA glycosylase; plus strand), NPRL3 (NPR3 like, GATOR1 complex subunit; minus strand). Cytogenetic location: 16p13.3.
Variant type: single nucleotide variant.
Coding change: c.777C>T on transcript NM_001015052.3 (MANE Select); coding-DNA position 777, C replaced by T.
Protein change: p.Val259=; no amino-acid change (valine 259 retained).
Molecular consequence: synonymous variant. On other transcripts: 3 prime UTR variant (5).
Genome position (GRCh38, 1-based): chr16:85,672, C>T. VCF-style: chr16-85672-C-T. GRCh37 (hg19) VCF-style: chr16-135671-C-T.
Other names: c.741C>T, p.Val247= (NM_001015054.3); c.792C>T, p.Val264= (NM_002434.4); c.*1033G>A (NM_001039476.3, NM_001077350.3, NM_001243247.2 and 2 more transcripts).
Identifiers: ClinVar variation 4872041 (VCV004872041.2).
Genomic context (GRCh38, chr16:85,672, plus strand): 5'-GGAGCGTGGTCCCCTGGAGCCCAGTGAGCCGGCTGTAGTGGCAGCAGCCCGGGTGGGCGT[C>T]GGCCATGCAGGGGAGTGGGCCCGGAAACCCCTCCGCTTCTATGTCCGGGGCAGCCCCTGG-3'
Protein context (NP_001015052.1, residues 249-269): PAVVAAARVG[Val259=]GHAGEWARKP